The following is an entry in ClinVar:

ClinVar aggregate classification (germline): Likely benign. Review status: criteria provided, single submitter (1 of 4 stars). 2 submissions from 2 submitters: Likely benign (1). 1 of the submissions does not count toward it. Last evaluated 2025-03-17.

Conditions:
SETD5-related disorder. Also called: SETD5-related disorders; SETD5-related condition.

Allele frequency attached by ClinVar (database versions not stated): gnomAD 0.00001; gnomAD exomes 0.00002 and 0.00006; TOPMed 0.00002; ExAC 0.00003.
gnomAD v4.1: 85 of 1,607,760 alleles (0.0053%); highest among the groups gnomAD compares: Non-Finnish European, 0.0066%; no homozygotes.

Submissions (2):

Labcorp Genetics (formerly Invitae), Labcorp
Classification: Likely benign. Last evaluated: 2025-03-17. Review status: criteria provided, single submitter. Criteria: Invitae Variant Classification Sherloc (09022015). Collection method: clinical testing. Allele origin: germline.

PreventionGenetics, part of Exact Sciences
Classification: Likely benign for SETD5-related condition. Last evaluated: 2024-08-08. Review status: no assertion criteria provided. Collection method: clinical testing. Allele origin: germline. Not counted in ClinVar's aggregate classification.
Comment: This variant is classified as likely benign based on ACMG/AMP sequence variant interpretation guidelines (Richards et al. 2015 PMID: 25741868, with internal and published modifications).

NM_001080517.3(SETD5):c.2735G>A (p.Arg912Gln)

Gene: SETD5 (SET domain containing 5; plus strand). Cytogenetic location: 3p25.3.
Variant type: single nucleotide variant.
Coding change: c.2735G>A on transcript NM_001080517.3 (MANE Select); coding-DNA position 2735, G replaced by A.
Protein change: p.Arg912Gln; replaces arginine 912 with glutamine.
Molecular consequence: missense variant.
Genome position (GRCh38, 1-based): chr3:9,470,469, G>A. VCF-style: chr3-9470469-G-A. GRCh37 (hg19) VCF-style: chr3-9512153-G-A.
Other names: c.2441G>A, p.Arg814Gln (NM_001292043.2, NM_001349451.2); c.2735G>A (NM_001080517.2); short protein forms R814Q, R912Q.
Identifiers: ClinVar variation 1400297 (VCV001400297.9), dbSNP rs773495612, ClinGen allele CA2239547.